The following is an entry in ClinVar:

NM_022369.4(STRA6):c.527dup (p.Ser177fs)

Gene: STRA6 (signaling receptor and transporter of retinol STRA6; minus strand). Cytogenetic location: 15q24.1.
Variant type: Duplication.
Coding change: c.527dup on transcript NM_022369.4 (MANE Select); coding-DNA position 527, one base duplicated (G; older notation c.527dupG).
Protein change: p.Ser177fs; shifts the reading frame from serine 177.
Molecular consequence: frameshift variant. On other transcripts: 3 prime UTR variant (1).
Genome position (GRCh38, 1-based): chr15:74,195,372, C duplicated on the plus strand (G on the coding strand, the reverse complement: STRA6 is on the minus strand); the first of 2 consecutive C bases (chr15:74,195,372-74,195,373); duplicating either gives the same sequence. VCF-style (leftmost placement, unchanged base first): chr15-74195371-G-GC. GRCh37 (hg19) VCF-style: chr15-74487712-G-GC.
Other names: c.527dupG (NM_022369.3); c.527dup, p.Ser177fs (NM_001142617.2, NM_001142618.2); c.500dup, p.Ser168fs (NM_001142619.2); c.*230dup (NM_001142620.2); c.638dup, p.Ser214fs (NM_001199040.2); c.572dup, p.Ser192fs (NM_001199041.2); c.644dup, p.Ser216fs (NM_001199042.2); short protein forms S177fs, S216fs, S168fs, S192fs, S214fs.
Identifiers: ClinVar variation 1140 (VCV000001140.3), dbSNP rs606231127, ClinGen allele CA114792.
Genomic context (GRCh38, chr15:74,195,371, plus strand): 5'-CTGGGGACACTCTGCCCTCTGCCAGACCTGGACCCCAAGGTGGGCCCAGGACAGCGTGCT[G>GC]CCGAGCAGGTGTGCAGCTGTGTGGCCAGCCGTGGCACAGGCAGCCAGAGGGTAGTAGAGG-3'

ClinVar aggregate classification (germline): Likely pathogenic. Review status: criteria provided, multiple submitters, no conflicts (2 of 4 stars). 3 submissions from 3 submitters: Likely pathogenic (2). 1 of the submissions does not count toward it. Last evaluated 2026-02-13.

Conditions:
Microphthalmia, syndromic 9. Also called: ANOPHTHALMIA, CLINICAL, WITH MILD FACIAL DYSMORPHISM AND VARIABLE MALFORMATIONS OF THE LUNG, HEART, AND DIAPHRAGM; ANOPHTHALMIA/MICROPHTHALMIA AND PULMONARY HYPOPLASIA; SPEAR SYNDROME; Matthew-Wood syndrome; PULMONARY AGENESIS, MICROPHTHALMIA, AND DIAPHRAGMATIC DEFECT. Identifiers: Orphanet 2470, MedGen C1832661, MONDO:0011010, OMIM 601186.

Submissions (3):

OLLIN Analises Genomicas, OLLIN
Classification: Likely pathogenic for Microphthalmia, syndromic 9. Last evaluated: 2026-02-13. Review status: criteria provided, single submitter. Criteria: ACMG Guidelines 2015 PMID 25741868. Collection method: clinical testing. Allele origin: germline. Observed: 3 variant alleles.
Comment: PVS1, PM2_P, PM3_P

GeneDx
Classification: Likely pathogenic. Last evaluated: 2019-03-25. Review status: criteria provided, single submitter. Criteria: GeneDx Variant Classification (06012015). Collection method: clinical testing. Allele origin: germline. Affected: yes.
Comment: The c.527dupG variant in the STRA6 gene has been reported previously as apparently homozygous in a fetus with features of Matthew-Wood syndrome (Golzio et al., 2007). The c.527dupG variant causes a frameshift starting with codon Serine 177, changes this amino acid to a Glutamine residue, and creates a premature Stop codon at position 58 of the new reading frame, denoted p.Ser177GlnfsX58. This variant is predicted to cause loss of normal protein function either through protein truncation or nonsense-mediated mRNA decay. Although not observed as homozygous, the c.527dupG variant is observed in 2/33530 (0.006%) alleles from individuals of Latino background in large population cohorts (Lek et al., 2016). We interpret c.527dupG as a likely pathogenic variant.

OMIM
Classification: Pathogenic for MICROPHTHALMIA, SYNDROMIC 9. Last evaluated: 2007-06-01. Review status: no assertion criteria provided. Collection method: literature only. Allele origin: germline. Not counted in ClinVar's aggregate classification.

Literature cited by the submitters: PubMed 17503335 (cited by OMIM).